The following is an entry in ClinVar:

ClinVar aggregate classification (germline): Pathogenic/Likely pathogenic. Review status: criteria provided, multiple submitters, no conflicts (2 of 4 stars). 3 submissions from 3 submitters: Pathogenic (1); Likely pathogenic (2). Last evaluated 2026-01-25.

Conditions:
Cardiovascular phenotype. Identifiers: MedGen CN230736.
Hereditary hemorrhagic telangiectasia (HHT). Also called: ORW DISEASE; Osler Weber Rendu syndrome; OSLER-RENDU-WEBER DISEASE; Osler hemorrhagic telangiectasia syndrome. Identifiers: Orphanet 774, MedGen C0039445, MONDO:0019180. Disease mechanism: loss of function.
Telangiectasia, hereditary hemorrhagic, type 1 (HHT1). Also called: Osler Weber Rendu syndrome type 1; ENG-Related Hereditary Hemorrhagic Telangiectasia. Identifiers: Orphanet 774, MedGen C4551861, MONDO:0008535, OMIM 187300. Disease mechanism: loss of function.

Submissions (3):

Labcorp Genetics (formerly Invitae), Labcorp
Classification: Pathogenic for Hereditary hemorrhagic telangiectasia. Last evaluated: 2026-01-25. Review status: criteria provided, single submitter. Criteria: Invitae Variant Classification Sherloc (09022015). Collection method: clinical testing. Allele origin: germline.
Comment: This sequence change replaces isoleucine, which is neutral and non-polar, with threonine, which is neutral and polar, at codon 220 of the ENG protein (p.Ile220Thr). This variant is not present in population databases (gnomAD no frequency). This missense change has been observed in individuals with hereditary hemorrhagic telangiectasia (PMID: 16752392, 17384219, 18498373; internal data). ClinVar contains an entry for this variant (Variation ID: 651770). Invitae Evidence Modeling of protein sequence and biophysical properties (such as structural, functional, and spatial information, amino acid conservation, physicochemical variation, residue mobility, and thermodynamic stability) indicates that this missense variant is expected to disrupt ENG protein function with a positive predictive value of 80%. For these reasons, this variant has been classified as Pathogenic.

Ambry Genetics
Classification: Likely pathogenic for Cardiovascular phenotype. Last evaluated: 2024-10-18. Review status: criteria provided, single submitter. Criteria: Ambry Variant Classification Scheme 2023. Collection method: clinical testing. Allele origin: germline.
Comment: The p.I220T variant (also known as c.659T>C), located in coding exon 5 of the ENG gene, results from a T to C substitution at nucleotide position 659. The isoleucine at codon 220 is replaced by threonine, an amino acid with similar properties. This variant was reported in individuals with features consistent with hereditary hemorrhagic telangiectasia (HHT) (Bossler AD et al. Hum Mutat, 2006 Jul;27:667-75; Gedge F et al. J Mol Diagn, 2007 Apr;9:258-65; Brakensiek K et al. Clin Genet, 2008 Aug;74:171-7). This amino acid position is well conserved in available vertebrate species. In addition, this alteration is predicted to be deleterious by in silico analysis. This variant is considered to be rare based on population cohorts in the Genome Aggregation Database (gnomAD). Based on the majority of available evidence to date, this variant is likely to be pathogenic.

Institute of Human Genetics Munich, TUM University Hospital
Classification: Likely pathogenic for Telangiectasia, hereditary hemorrhagic, type 1. Last evaluated: 2018-09-27. Review status: criteria provided, single submitter. Criteria: Classification criteria August 2017. Collection method: clinical testing. Allele origin: de novo. Inheritance: Autosomal dominant inheritance. Affected: yes. Observed: 1 heterozygote.

Literature cited by the submitters: PubMed 16752392 (cited by Labcorp Genetics (formerly Invitae), Labcorp and Ambry Genetics); PubMed 17384219 (cited by Labcorp Genetics (formerly Invitae), Labcorp and Ambry Genetics); PubMed 18498373 (cited by Labcorp Genetics (formerly Invitae), Labcorp and Ambry Genetics).

NM_001114753.3(ENG):c.659T>C (p.Ile220Thr)

Gene: ENG (endoglin; minus strand). Cytogenetic location: 9q34.11.
Variant type: single nucleotide variant.
Coding change: c.659T>C on transcript NM_001114753.3 (MANE Select); coding-DNA position 659, T replaced by C.
Protein change: p.Ile220Thr; replaces isoleucine 220 with threonine.
Molecular consequence: missense variant.
Genome position (GRCh38, 1-based): chr9:127,825,725, A>G on the plus strand (T>C on the coding strand, the complement: ENG is on the minus strand). VCF-style: chr9-127825725-A-G. GRCh37 (hg19) VCF-style: chr9-130588004-A-G.
Other names: c.659T>C, p.Ile220Thr (NM_000118.4, NM_001406715.1); c.113T>C, p.Ile38Thr (NM_001278138.2); short protein forms I220T, I38T.
Identifiers: ClinVar variation 651770 (VCV000651770.16), dbSNP rs1588582695, ClinGen allele CA374983535.